The following is an entry in ClinVar:

NM_198252.3(GSN):c.-10+2T>A

Genes: GSN (gelsolin; plus strand), GSN-AS1 (GSN antisense RNA 1; minus strand), LOC126860752 (CDK7 strongly-dependent group 2 enhancer GRCh37_chr9:124043752-124044951; plus strand). Cytogenetic location: 9q33.2.
Variant type: single nucleotide variant.
Coding change: c.-10+2T>A on transcript NM_198252.3 (MANE Select); the canonical splice donor site of the intron after 10 bases upstream of the start codon, T replaced by A.
Molecular consequence: splice donor variant. On other transcripts: non-coding transcript variant (1), intron variant (3).
Genome position (GRCh38, 1-based): chr9:121,281,564, T>A. VCF-style: chr9-121281564-T-A. GRCh37 (hg19) VCF-style: chr9-124043842-T-A.
Other names: c.-10+2T>A (NM_001353054.1, NM_001353053.1, NM_001353060.2 and 2 more transcripts); c.-48+2T>A (NM_001353064.2, NM_001353066.2, NM_001353076.2 and 1 more transcripts); c.-2+2T>A (NM_001353058.2, NM_001353057.2); c.-230+2T>A (NM_001353073.2); c.-118+2T>A (NM_001353065.2); c.-89+2T>A (NM_001127664.2); c.-339+2T>A (NM_001353059.2); c.-160+2T>A (NM_001353072.2); and 13 more.
Identifiers: ClinVar variation 4681449 (VCV004681449.5).

ClinVar aggregate classification (germline): Likely benign (1 of 4 stars; one submission).

gnomAD v4.1: 75 of 463,986 alleles (0.016%); highest among the groups gnomAD compares: Non-Finnish European, 0.027%; no homozygotes.

Submission:

CeGaT Center for Human Genetics Tuebingen
Classification: Likely benign. Last evaluated: 2026-09-01. Review status: criteria provided, single submitter. Criteria: CeGaT Center For Human Genetics Tuebingen Variant Classification Criteria Version 2. Collection method: clinical testing. Allele origin: germline. Affected: yes. Observed: 2 variant alleles.
Comment: GSN: PP3, BP5, BS1